The following is an entry in ClinVar:

NM_001378454.1(ALMS1):c.10933C>T (p.Gln3645Ter)

Gene: ALMS1 (ALMS1 centrosome and basal body associated protein; plus strand). Cytogenetic location: 2p13.1.
Variant type: single nucleotide variant.
Coding change: c.10933C>T on transcript NM_001378454.1 (MANE Select); coding-DNA position 10933, C replaced by T.
Protein change: p.Gln3645Ter; replaces glutamine 3645 with a stop codon.
Molecular consequence: nonsense.
Genome position (GRCh38, 1-based): chr2:73,572,810, C>T. VCF-style: chr2-73572810-C-T. GRCh37 (hg19) VCF-style: chr2-73799937-C-T.
Other names: c.10936C>T, p.Gln3646Ter (NM_015120.4); short protein forms Q3646*, Q3645*.
Identifiers: ClinVar variation 866528 (VCV000866528.10), dbSNP rs1674967197, ClinGen allele CA347286279.

ClinVar aggregate classification (germline): Pathogenic/Likely pathogenic. Review status: criteria provided, multiple submitters, no conflicts (2 of 4 stars). 3 submissions from 3 submitters: Pathogenic (2); Likely pathogenic (1). Last evaluated 2024-11-09.

Conditions:
Alstrom syndrome (ALMS). Identifiers: Orphanet 64, MedGen C0268425, MONDO:0008763, OMIM 203800.
ALMS1-related disorder. Also called: ALMS1-related condition.

Allele frequency attached by ClinVar (database versions not stated): gnomAD exomes below 0.00001; TOPMed below 0.00001; gnomAD 0.00001.
gnomAD v4.1: 3 of 1,613,870 alleles (0.00019%); highest among the groups gnomAD compares: South Asian, 0.0011%; no homozygotes.

Submissions (3):

Labcorp Genetics (formerly Invitae), Labcorp
Classification: Pathogenic for Alstrom syndrome. Last evaluated: 2024-11-09. Review status: criteria provided, single submitter. Criteria: Invitae Variant Classification Sherloc (09022015). Collection method: clinical testing. Allele origin: germline.
Comment: This sequence change creates a premature translational stop signal (p.Gln3646*) in the ALMS1 gene. It is expected to result in an absent or disrupted protein product. Loss-of-function variants in ALMS1 are known to be pathogenic (PMID: 17594715). This variant is not present in population databases (gnomAD no frequency). This premature translational stop signal has been observed in individual(s) with clinical features of Alstrom syndrome (PMID: 32944671). ClinVar contains an entry for this variant (Variation ID: 866528). For these reasons, this variant has been classified as Pathogenic.

Mendelics
Classification: Pathogenic for Alstrom syndrome. Last evaluated: 2022-05-04. Review status: criteria provided, single submitter. Criteria: Mendelics Assertion Criteria 2019. Collection method: clinical testing. Allele origin: germline.

Blueprint Genetics
Classification: Likely pathogenic for ALMS1-related disorders. Last evaluated: 2019-01-08. Review status: criteria provided, single submitter. Criteria: ACMG Guidelines, 2015. Collection method: clinical testing. Allele origin: germline. Affected: yes. Observed: 1 variant allele.

Literature cited by the submitters: PubMed 17594715 (cited by Labcorp Genetics (formerly Invitae), Labcorp); PubMed 32944671 (cited by Labcorp Genetics (formerly Invitae), Labcorp).